The following is an entry in ClinVar:

ClinVar aggregate classification (germline): Uncertain significance (1 of 4 stars; one submission).

Conditions:
Neuropathy, hereditary sensory, type 2C. Also called: Hereditary sensory and autonomic neuropathy type IIC; KIF1A-Related HSAN2 (HSAN2C). Identifiers: Orphanet 970, MedGen C3280168, MONDO:0013634, OMIM 614213.
Hereditary spastic paraplegia 30. Identifiers: Orphanet 101010, MedGen C5235139, MONDO:0012476.
Intellectual disability, autosomal dominant 9 (NESCAVS). Also called: NESCAV SYNDROME; KIF1A-Related Neurodevelopmental Disorder. Identifiers: Orphanet 662367, MedGen C5393830, MONDO:0013656, OMIM 614255.

Submission:

Labcorp Genetics (formerly Invitae), Labcorp
Classification: Uncertain significance for Hereditary spastic paraplegia 30; Neuropathy, hereditary sensory, type 2C; Intellectual disability, autosomal dominant 9. Last evaluated: 2023-09-08. Review status: criteria provided, single submitter. Criteria: Invitae Variant Classification Sherloc (09022015). Collection method: clinical testing. Allele origin: germline.
Comment: This variant has not been reported in the literature in individuals affected with KIF1A-related conditions. This variant is not present in population databases (gnomAD no frequency). This sequence change replaces valine, which is neutral and non-polar, with isoleucine, which is neutral and non-polar, at codon 12 of the KIF1A protein (p.Val12Ile). In summary, the available evidence is currently insufficient to determine the role of this variant in disease. Therefore, it has been classified as a Variant of Uncertain Significance. Advanced modeling of protein sequence and biophysical properties (such as structural, functional, and spatial information, amino acid conservation, physicochemical variation, residue mobility, and thermodynamic stability) performed at Invitae indicates that this missense variant is expected to disrupt KIF1A protein function.

NM_001244008.2(KIF1A):c.34G>A (p.Val12Ile)

Gene: KIF1A (kinesin family member 1A; minus strand). Cytogenetic location: 2q37.3.
Variant type: single nucleotide variant.
Coding change: c.34G>A on transcript NM_001244008.2 (MANE Select); coding-DNA position 34, G replaced by A.
Protein change: p.Val12Ile; replaces valine 12 with isoleucine.
Molecular consequence: missense variant.
Genome position (GRCh38, 1-based): chr2:240,797,719, C>T on the plus strand (G>A on the coding strand, the complement: KIF1A is on the minus strand). VCF-style: chr2-240797719-C-T. GRCh37 (hg19) VCF-style: chr2-241737136-C-T.
Other names: c.34G>A, p.Val12Ile (NM_001320705.2, NM_001330289.2, NM_001330290.2 and 21 more transcripts); short protein forms V12I.
Identifiers: ClinVar variation 2934493 (VCV002934493.3), dbSNP rs2538656538, ClinGen allele CA351315961.